The following is an entry in ClinVar:

NM_006744.4(RBP4):c.201G>T (p.Glu67Asp)

Gene: RBP4 (retinol binding protein 4; minus strand). Cytogenetic location: 10q23.33.
Variant type: single nucleotide variant.
Coding change: c.201G>T on transcript NM_006744.4 (MANE Select); coding-DNA position 201, G replaced by T.
Protein change: p.Glu67Asp; replaces glutamic acid 67 with aspartic acid.
Molecular consequence: missense variant.
Genome position (GRCh38, 1-based): chr10:93,600,714, C>A on the plus strand (G>T on the coding strand, the complement: RBP4 is on the minus strand). VCF-style: chr10-93600714-C-A. GRCh37 (hg19) VCF-style: chr10-95360471-C-A.
Other names: c.201G>T, p.Glu67Asp (NM_001323517.1); c.195G>T, p.Glu65Asp (NM_001323518.2); short protein forms E65D, E67D.
Identifiers: ClinVar variation 3609531 (VCV003609531.2).

ClinVar aggregate classification (germline): Uncertain significance (1 of 4 stars; one submission).

Submission:

Labcorp Genetics (formerly Invitae), Labcorp
Classification: Uncertain significance. Last evaluated: 2025-02-13. Review status: criteria provided, single submitter. Criteria: Invitae Variant Classification Sherloc (09022015). Collection method: clinical testing. Allele origin: germline.
Comment: This sequence change replaces glutamic acid, which is acidic and polar, with aspartic acid, which is acidic and polar, at codon 67 of the RBP4 protein (p.Glu67Asp). This variant is not present in population databases (gnomAD no frequency). This variant has not been reported in the literature in individuals affected with RBP4-related conditions. An algorithm developed to predict the effect of missense changes on protein structure and function (PolyPhen-2) suggests that this variant is likely to be tolerated. In summary, the available evidence is currently insufficient to determine the role of this variant in disease. Therefore, it has been classified as a Variant of Uncertain Significance.